The following is an entry in ClinVar:

ClinVar aggregate classification (germline): Uncertain significance (1 of 4 stars; one submission).

Submission:

Labcorp Genetics (formerly Invitae), Labcorp
Classification: Uncertain significance. Last evaluated: 2021-09-03. Review status: criteria provided, single submitter. Criteria: Invitae Variant Classification Sherloc (09022015). Collection method: clinical testing. Allele origin: germline.
Comment: This variant has not been reported in the literature in individuals affected with TRAF3IP1-related conditions. The frequency data for this variant in the population databases is considered unreliable, as metrics indicate poor data quality at this position in the ExAC database. This variant, c.600_605del, results in the deletion of 2 amino acid(s) of the TRAF3IP1 protein (p.Asp200_Lys201del), but otherwise preserves the integrity of the reading frame. Experimental studies and prediction algorithms are not available or were not evaluated, and the functional significance of this variant is currently unknown. In summary, the available evidence is currently insufficient to determine the role of this variant in disease. Therefore, it has been classified as a Variant of Uncertain Significance.

NM_015650.4(TRAF3IP1):c.594CAAGGA[1] (p.198DK[1])

Gene: TRAF3IP1 (TRAF3 interacting protein 1; plus strand). Cytogenetic location: 2q37.3.
Variant type: Microsatellite.
Coding change: c.594CAAGGA[1] on transcript NM_015650.4 (MANE Select); one copy of the 6-base unit CAAGGA starting at c.594; the reference has two copies in a row; one copy, 6 bases deleted.
Protein change: p.198DK[1].
Molecular consequence: inframe deletion.
Genome position (GRCh38, 1-based): chr2:238,329,027-238,329,032, CAAGGA deleted; deleting any 6 consecutive bases within chr2:238,329,016-238,329,032 gives the same sequence; the position shown is the placement nearest the transcript's 3' end. VCF-style (leftmost placement, unchanged base first): chr2-238329015-AAAGGAC-A. GRCh37 (hg19) VCF-style: chr2-239237656-AAAGGAC-A.
Other names: c.594CAAGGA[1], p.198DK[1] (NM_001139490.1).
Identifiers: ClinVar variation 1354980 (VCV001354980.6), dbSNP rs568994925, ClinGen allele CA2198102.